The following is an entry in ClinVar:

ClinVar aggregate classification (germline): Likely pathogenic (1 of 4 stars; one submission).

Conditions:
Aicardi-Goutieres syndrome 2. Identifiers: Orphanet 51, MedGen C3489724, MONDO:0012429, OMIM 610181.

gnomAD v4.1: 2 of 1,553,490 alleles (0.00013%); highest among the groups gnomAD compares: African/African-American, 0.0014%; no homozygotes.

Submission:

ARUP Laboratories, Molecular Genetics and Genomics, ARUP Laboratories
Classification: Likely pathogenic for Aicardi-Goutieres syndrome 2. Last evaluated: 2024-10-28. Review status: criteria provided, single submitter. Criteria: ARUP Molecular Germline Variant Investigation Process 2024. Collection method: clinical testing. Allele origin: germline.
Comment: The RNASEH2B c.65-2A>G variant (rs754503022), to our knowledge, is not reported in the medical literature or gene specific databases. This variant is only observed on one allele in the Genome Aggregation Database (v2.1.1), indicating it is not a common polymorphism. This variant disrupts the canonical splice acceptor site of intron 1, which is likely to negatively impact gene function. Based on available information, this variant is considered to be likely pathogenic.

NM_024570.4(RNASEH2B):c.65-2A>G

Gene: RNASEH2B (ribonuclease H2 subunit B; plus strand). Cytogenetic location: 13q14.3.
Variant type: single nucleotide variant.
Coding change: c.65-2A>G on transcript NM_024570.4 (MANE Select); the canonical splice acceptor site of the intron before coding-DNA position 65, A replaced by G.
Molecular consequence: splice acceptor variant.
Genome position (GRCh38, 1-based): chr13:50,927,405, A>G. VCF-style: chr13-50927405-A-G. GRCh37 (hg19) VCF-style: chr13-51501541-A-G.
Other names: c.65-2A>G (NM_001142279.2, NM_001411023.1).
Identifiers: ClinVar variation 3766929 (VCV003766929.2).